The following is an entry in ClinVar:

NM_005357.4(LIPE):c.2461C>T (p.Arg821Cys)

Genes: LIPE (lipase E, hormone sensitive type; minus strand), LIPE-AS1 (LIPE antisense RNA 1; plus strand), LOC101930071 (uncharacterized LOC101930071; plus strand). Cytogenetic location: 19q13.2.
Variant type: single nucleotide variant.
Coding change: c.2461C>T on transcript NM_005357.4 (MANE Select); coding-DNA position 2461, C replaced by T.
Protein change: p.Arg821Cys; replaces arginine 821 with cysteine.
Molecular consequence: missense variant.
Genome position (GRCh38, 1-based): chr19:42,405,466, G>A on the plus strand (C>T on the coding strand, the complement: LIPE is on the minus strand). VCF-style: chr19-42405466-G-A. GRCh37 (hg19) VCF-style: chr19-42909618-G-A.
Other names: c.1711C>T, p.Arg571Cys (NM_001416100.1); c.1696C>T, p.Arg566Cys (NM_001416101.1); c.1591C>T, p.Arg531Cys (NM_001416102.1); c.1558C>T, p.Arg520Cys (NM_001416103.1, NM_001416104.1); c.1468C>T, p.Arg490Cys (NM_001416105.1); c.1363C>T, p.Arg455Cys (NM_001416106.1); c.874C>T, p.Arg292Cys (NM_001416107.1); c.820C>T, p.Arg274Cys (NM_001416108.1); and 1 more; short protein forms R274C, R292C, R455C, R490C, R520C, R531C, R566C, R571C.
Identifiers: ClinVar variation 2433462 (VCV002433462.6), dbSNP rs370955937, ClinGen allele CA9476746.
Genomic context (GRCh38, chr19:42,405,466, plus strand): 5'-TCTGGGACTTGCGCCCACTTAACTCCAGGAAGGAGTTGAGCCATGAGGAGGCACCCAGGC[G>A]GAAGTCTCGGAGGAGCAGGGCTGTGTCCCGCCGCACCAGCCCCATCATGCCGAGGGCTTT-3'
Protein context (NP_005348.2, residues 811-831): RDTALLLRDF[Arg821Cys]LGASSWLNSF

ClinVar aggregate classification (germline): Uncertain significance. Review status: criteria provided, multiple submitters, no conflicts (2 of 4 stars). 3 submissions from 3 submitters: Uncertain significance (3). Last evaluated 2026-05-06.

Conditions:
LIPE-related disorder. Also called: LIPE-related condition.
LIPE-related familial partial lipodystrophy. Also called: LIPODYSTROPHY, FAMILIAL PARTIAL, ASSOCIATED WITH LIPE MUTATIONS; Familial partial lipodystrophy 6. Identifiers: Orphanet 435660, MedGen C4014869, MONDO:0014431, OMIM 615980.

Allele frequency attached by ClinVar (database versions not stated): ESP Exome Variant Server 0.00008; ExAC 0.00011; TOPMed 0.00013; gnomAD 0.00021.
gnomAD v4.1: 174 of 1,614,062 alleles (0.011%); highest among the groups gnomAD compares: Admixed American, 0.037%; no homozygotes.

Submissions (3):

PreventionGenetics, part of Exact Sciences
Classification: Uncertain significance for LIPE-related condition. Last evaluated: 2026-05-06. Review status: criteria provided, single submitter. Criteria: ACMG Guidelines, 2015. Collection method: clinical testing. Allele origin: germline.
Comment: The LIPE c.2461C>T variant is predicted to result in the amino acid substitution p.Arg821Cys. This variant was reported as a variant of uncertain significance in one large cohort study of dyslipidemias (Table S4, Dron et al 2020. PubMed ID: 32041611). This variant is reported in 0.035% of alleles in individuals of East Asian descent in gnomAD. At this time, the clinical significance of this variant is uncertain due to the absence of conclusive functional and genetic evidence.

Blueprint Genetics
Classification: Uncertain significance. Last evaluated: 2024-11-01. Review status: criteria provided, single submitter. Criteria: ACMG Guidelines, 2015. Collection method: clinical testing. Allele origin: germline.

Revvity Omics, Revvity
Classification: Uncertain significance for LIPE-related familial partial lipodystrophy. Last evaluated: 2022-05-31. Review status: criteria provided, single submitter. Criteria: ACMG Guidelines, 2015. Collection method: clinical testing. Allele origin: germline.